The following is an entry in ClinVar:

ClinVar aggregate classification (germline): Uncertain significance. Review status: criteria provided, multiple submitters, no conflicts (2 of 4 stars). 2 submissions from 2 submitters: Uncertain significance (2). Last evaluated 2025-11-28.

Conditions:
Developmental and epileptic encephalopathy, 42 (DEE42A). Also called: DEVELOPMENTAL AND EPILEPTIC ENCEPHALOPATHY 42A; EPILEPTIC ENCEPHALOPATHY, EARLY INFANTILE, 42A; Epileptic encephalopathy, early infantile, 42. Identifiers: MedGen C4310716, MONDO:0014917, OMIM 617106.
Episodic ataxia type 2 (EA2). Also called: ATAXIA, EPISODIC, WITH NYSTAGMUS; ATAXIA, FAMILIAL PAROXYSMAL; CEREBELLAR ATAXIA, PAROXYSMAL, ACETAZOLAMIDE-RESPONSIVE; ACETAZOLAMIDE-RESPONSIVE HEREDITARY PAROXYSMAL CEREBELLAR ATAXIA; CEREBELLOPATHY, HEREDITARY PAROXYSMAL; EPISODIC ATAXIA, NYSTAGMUS-ASSOCIATED. Identifiers: Orphanet 97, MedGen C1720416, MONDO:0007163, OMIM 108500.

Allele frequency attached by ClinVar (database versions not stated): ExAC 0.00001; gnomAD exomes below 0.00001; TOPMed 0.00001.
gnomAD v4.1: 2 of 1,613,728 alleles (0.00012%); highest among the groups gnomAD compares: African/African-American, 0.0013%; no homozygotes.

Submissions (2):

Labcorp Genetics (formerly Invitae), Labcorp
Classification: Uncertain significance for Developmental and epileptic encephalopathy, 42; Episodic ataxia type 2. Last evaluated: 2025-11-28. Review status: criteria provided, single submitter. Criteria: Invitae Variant Classification Sherloc (09022015). Collection method: clinical testing. Allele origin: germline.
Comment: This sequence change replaces phenylalanine, which is neutral and non-polar, with cysteine, which is neutral and slightly polar, at codon 1626 of the CACNA1A protein (p.Phe1626Cys). This variant is present in population databases (rs771061659, gnomAD 0.007%). This variant has not been reported in the literature in individuals affected with CACNA1A-related conditions. ClinVar contains an entry for this variant (Variation ID: 954336). Invitae Evidence Modeling of protein sequence and biophysical properties (such as structural, functional, and spatial information, amino acid conservation, physicochemical variation, residue mobility, and thermodynamic stability) indicates that this missense variant is expected to disrupt CACNA1A protein function with a positive predictive value of 95%. In summary, the available evidence is currently insufficient to determine the role of this variant in disease. Therefore, it has been classified as a Variant of Uncertain Significance.

Athena Diagnostics
Classification: Uncertain significance. Last evaluated: 2023-06-07. Review status: criteria provided, single submitter. Criteria: Athena Diagnostics Criteria. Collection method: clinical testing. Allele origin: unknown.
Comment: Available data are insufficient to determine the clinical significance of the variant at this time. The frequency of this variant in the general population is uninformative in assessment of its pathogenicity. Computational tools predict that this variant is damaging.

NM_001127222.2(CACNA1A):c.4874T>G (p.Phe1625Cys)

Gene: CACNA1A (calcium voltage-gated channel subunit alpha1 A; minus strand). Cytogenetic location: 19p13.13.
Variant type: single nucleotide variant.
Coding change: c.4874T>G on transcript NM_001127222.2 (MANE Select); coding-DNA position 4874, T replaced by G.
Protein change: p.Phe1625Cys; replaces phenylalanine 1625 with cysteine.
Molecular consequence: missense variant.
Genome position (GRCh38, 1-based): chr19:13,245,258, A>C on the plus strand (T>G on the coding strand, the complement: CACNA1A is on the minus strand). VCF-style: chr19-13245258-A-C. GRCh37 (hg19) VCF-style: chr19-13356072-A-C.
Other names: c.4877T>G (NM_000068.2); c.4886T>G, p.Phe1629Cys (NM_000068.4, NM_023035.3); c.4877T>G, p.Phe1626Cys (NM_001127221.2, NM_001174080.2); short protein forms F1625C, F1626C, F1629C.
Identifiers: ClinVar variation 954336 (VCV000954336.11), dbSNP rs771061659, ClinGen allele CA9239908.